The following is an entry in ClinVar:

ClinVar aggregate classification (germline): Uncertain significance (1 of 4 stars; one submission).

Submission:

GeneDx
Classification: Uncertain significance. Last evaluated: 2017-05-30. Review status: criteria provided, single submitter. Criteria: GeneDx Variant Classification (06012015). Collection method: clinical testing. Allele origin: germline. Affected: yes.
Comment: A variant of uncertain significance has been identified in the PRKG1 gene. The A185T variant has not been published as pathogenic or been reported as benign to our knowledge. This variant is also not observed in large population cohorts (Lek et al., 2016; 1000 Genomes Consortium et al., 2015; Exome Variant Server). The A185T variant is a non-conservative amino acid substitution, which is likely to impact secondary protein structure as these residues differ in polarity, charge, size and/or other properties. Additionally, this substitution occurs at a position that is conserved across species and in silico analysis predicts this variant is probably damaging to the protein structure/function. However, this variant has not been observed in a significant number of affected individuals and it lacks both segregation and functional studies which would further clarify its pathogenicity.

NM_006258.4(PRKG1):c.553G>A (p.Ala185Thr)

Gene: PRKG1 (protein kinase cGMP-dependent 1; plus strand). Cytogenetic location: 10q21.1.
Variant type: single nucleotide variant.
Coding change: c.553G>A on transcript NM_006258.4 (MANE Select); coding-DNA position 553, G replaced by A.
Protein change: p.Ala185Thr; replaces alanine 185 with threonine.
Molecular consequence: missense variant.
Genome position (GRCh38, 1-based): chr10:51,467,797, G>A. VCF-style: chr10-51467797-G-A. GRCh37 (hg19) VCF-style: chr10-53227557-G-A.
Other names: c.508G>A, p.Ala170Thr (LRG_1135t2, NM_001098512.3); c.553G>A, p.Ala185Thr (LRG_1135t1); short protein forms A170T, A185T.
Identifiers: ClinVar variation 432435 (VCV000432435.2), dbSNP rs1554812434, ClinGen allele CA376529202.